The following is an entry in ClinVar:

ClinVar aggregate classification (germline): Conflicting classifications of pathogenicity. Review status: criteria provided, conflicting classifications (1 of 4 stars). 6 submissions from 6 submitters: Pathogenic (2); Uncertain significance (4). Last evaluated 2026-04-29.

Conditions:
Retinal dystrophy. Also called: Inherited retinal dystrophy. Identifiers: Orphanet 71862, MedGen C0854723, MeSH D058499, MONDO:0019118, HP:0000556.
Joubert syndrome. Also called: Familial aplasia of the vermis; JOUBERT-BOLTSHAUSER SYNDROME. Identifiers: Orphanet 475, MedGen C5979921, MONDO:0018772.
Joubert syndrome 3 (JBTS3). Also called: AHI1-related Ciliopathy. Identifiers: Orphanet 220493, MedGen C1837713, MONDO:0012078, OMIM 608629.

Allele frequency attached by ClinVar (database versions not stated): gnomAD exomes below 0.00001; TOPMed below 0.00001.
gnomAD v4.1: 4 of 1,613,694 alleles (0.00025%); highest among the groups gnomAD compares: South Asian, 0.0011%; no homozygotes.

Submissions (6):

Myriad Genetics, Inc.
Classification: Uncertain significance for Joubert syndrome 3. Last evaluated: 2026-04-29. Review status: criteria provided, single submitter. Criteria: Myriad Autosomal Dominant, Autosomal Recessive and X-Linked Classification Criteria (2023). Collection method: clinical testing. Allele origin: unknown.
Comment: NM_001134831.1(AHI1):c.2173T>C(W725R) is a missense variant classified as a variant of uncertain significance in the context of Joubert syndrome, AHI1-related. W725R has been observed in cases with relevant disease (PMID: 16155189, 26092869, 39888183). Relevant functional assessments of this variant are available in the literature (PMID: 26092869). W725R has not been observed in referenced population frequency databases. In summary, there is insufficient evidence to classify NM_001134831.1(AHI1):c.2173T>C(W725R) as pathogenic or benign. Please note: this variant was assessed in the context of healthy population screening.

Labcorp Genetics (formerly Invitae), Labcorp
Classification: Uncertain significance for Joubert syndrome. Last evaluated: 2024-10-16. Review status: criteria provided, single submitter. Criteria: Invitae Variant Classification Sherloc (09022015). Collection method: clinical testing. Allele origin: germline.
Comment: This sequence change replaces tryptophan, which is neutral and slightly polar, with arginine, which is basic and polar, at codon 725 of the AHI1 protein (p.Trp725Arg). This variant is not present in population databases (gnomAD no frequency). This missense change has been observed in individual(s) with Joubert syndrome (PMID: 16155189, 26092869). ClinVar contains an entry for this variant (Variation ID: 217545). Invitae Evidence Modeling of protein sequence and biophysical properties (such as structural, functional, and spatial information, amino acid conservation, physicochemical variation, residue mobility, and thermodynamic stability) indicates that this missense variant is expected to disrupt AHI1 protein function with a positive predictive value of 80%. In summary, the available evidence is currently insufficient to determine the role of this variant in disease. Therefore, it has been classified as a Variant of Uncertain Significance.

Women's Health and Genetics/Laboratory Corporation of America, LabCorp
Classification: Uncertain significance. Last evaluated: 2023-05-11. Review status: criteria provided, single submitter. Criteria: LabCorp Variant Classification Summary - May 2015. Collection method: clinical testing. Allele origin: germline.
Comment: Variant summary: AHI1 c.2173T>C (p.Trp725Arg) results in a non-conservative amino acid change in the encoded protein sequence. Five of five in-silico tools predict a damaging effect of the variant on protein function. The variant was absent in 248926 control chromosomes (gnomAD). The available data on variant occurrences in the general population are insufficient to allow any conclusion about variant significance. c.2173T>C has been reported in the literature in individuals affected with Joubert Syndrome And Related Disorders (example:Bachman-Gagescu_2015 and Parisi_2006). These data do not allow any conclusion about variant significance. To our knowledge, no experimental evidence demonstrating an impact on protein function has been reported. The following publications have been ascertained in the context of this evaluation (PMID: 26092869, 30055837, 17377524, 28125082). Three submitters have evaluated this variant and submitted clinical-significance assessments for this variant to ClinVar after 2014 and classified the variant as VUS (n=1) and pathogenic (n=2). Based on the evidence outlined above, the variant was classified as uncertain significance.

Institute for Clinical Genetics, University Hospital TU Dresden, University Hospital TU Dresden
Classification: Pathogenic. Last evaluated: 2021-11-03. Review status: criteria provided, single submitter. Criteria: ACMG Guidelines, 2015. Collection method: clinical testing. Allele origin: germline.

Institute of Human Genetics, Univ. Regensburg, Univ. Regensburg
Classification: Uncertain significance for Retinal dystrophy. Last evaluated: 2020-01-01. Review status: criteria provided, single submitter. Criteria: ACMG Guidelines, 2015. Collection method: clinical testing. Allele origin: germline. Affected: yes.

UW Hindbrain Malformation Research Program, University of Washington
Classification: Pathogenic for Joubert syndrome 3. Last evaluated: 2015-02-23. Review status: criteria provided, single submitter. Criteria: Bachmann-Gagescu et al. (J Med Genet. 2015). Collection method: research. Allele origin: unknown. Affected: yes.

Literature cited by the submitters: PubMed 16155189 (cited by 3 submitters); PubMed 26092869 (cited by 3 submitters); PubMed 39888183 (cited by Myriad Genetics, Inc.); PubMed 30055837 (cited by Women's Health and Genetics/Laboratory Corporation of America, LabCorp); PubMed 28125082 (cited by Women's Health and Genetics/Laboratory Corporation of America, LabCorp); PubMed 17377524 (cited by Women's Health and Genetics/Laboratory Corporation of America, LabCorp).

NM_001134831.2(AHI1):c.2173T>C (p.Trp725Arg)

Gene: AHI1 (Abelson helper integration site 1; minus strand). Cytogenetic location: 6q23.3.
Variant type: single nucleotide variant.
Coding change: c.2173T>C on transcript NM_001134831.2 (MANE Select); coding-DNA position 2173, T replaced by C.
Protein change: p.Trp725Arg; replaces tryptophan 725 with arginine.
Molecular consequence: missense variant.
Genome position (GRCh38, 1-based): chr6:135,433,120, A>G on the plus strand (T>C on the coding strand, the complement: AHI1 is on the minus strand). VCF-style: chr6-135433120-A-G. GRCh37 (hg19) VCF-style: chr6-135754258-A-G.
Other names: c.2173T>C, p.Trp725Arg (NM_001134830.2, NM_001134832.2, NM_001350503.2 and 2 more transcripts); short protein forms W725R.
Identifiers: ClinVar variation 217545 (VCV000217545.13), dbSNP rs863225144, ClinGen allele CA279352.